The following is an entry in ClinVar:

NM_000447.3(PSEN2):c.*270C>T

Gene: PSEN2 (presenilin 2; plus strand). Cytogenetic location: 1q42.13.
Variant type: single nucleotide variant.
Coding change: c.*270C>T on transcript NM_000447.3 (MANE Select); 270 bases downstream of the stop codon, C replaced by T.
Molecular consequence: 3 prime UTR variant.
Genome position (GRCh38, 1-based): chr1:226,895,849, C>T. VCF-style: chr1-226895849-C-T. GRCh37 (hg19) VCF-style: chr1-227083550-C-T.
Other names: c.*270C>T (NM_012486.3).
Identifiers: ClinVar variation 296001 (VCV000296001.7), dbSNP rs8383, ClinGen allele CA10610267.

ClinVar aggregate classification (germline): Benign. Review status: criteria provided, multiple submitters, no conflicts (2 of 4 stars). 4 submissions from 3 submitters: Benign (4). Last evaluated 2018-09-17.

Conditions:
Dilated cardiomyopathy 1V (CMD1V). Identifiers: Orphanet 154, MedGen C3150958, MONDO:0013373, OMIM 613697.
Alzheimer disease 4 (AD4). Identifiers: Orphanet 1020, MedGen C1847200, MONDO:0011743, OMIM 606889.

Allele frequency attached by ClinVar (database versions not stated): 1000 Genomes Project 0.45088; 1000 Genomes Project 30x 0.45284; TOPMed 0.48853; gnomAD 0.48994 and 0.49189; gnomAD exomes 0.51204.

Submissions (4):

GeneDx
Classification: Benign. Last evaluated: 2018-09-17. Review status: criteria provided, single submitter. Criteria: GeneDx Variant Classification Process June 2021. Collection method: clinical testing. Allele origin: germline. Affected: yes.

Illumina Laboratory Services, Illumina
Classification: Benign for Alzheimer disease 4. Last evaluated: 2018-01-13. Review status: criteria provided, single submitter. Criteria: ICSL Variant Classification Criteria 13 December 2019. Collection method: clinical testing. Allele origin: germline.
Comment: This variant was observed in the ICSL laboratory as part of a predisposition screen in an ostensibly healthy population. It had not been previously curated by ICSL or reported in the Human Gene Mutation Database (HGMD: prior to June 1st, 2018), and was therefore a candidate for classification through an automated scoring system. Utilizing variant allele frequency, disease prevalence and penetrance estimates, and inheritance mode, an automated score was calculated to assess if this variant is too frequent to cause the disease. Based on the score and internal cut-off values, a variant classified as benign is not then subjected to further curation. The score for this variant resulted in a classification of benign for this disease.

Illumina Laboratory Services, Illumina
Classification: Benign for Dilated cardiomyopathy 1V. Last evaluated: 2018-01-13. Review status: criteria provided, single submitter. Criteria: ICSL Variant Classification Criteria 13 December 2019. Collection method: clinical testing. Allele origin: germline.
Comment: the same text as in the submission from Illumina Laboratory Services, Illumina above.

Breakthrough Genomics
Classification: Benign. Review status: criteria provided, single submitter. Criteria: ACMG Guidelines, 2015. Collection method: not provided. Allele origin: germline. Inheritance: Autosomal dominant inheritance. Affected: yes.